The following is an entry in ClinVar:

ClinVar aggregate classification (germline): Uncertain significance. Review status: criteria provided, single submitter (1 of 4 stars). 2 submissions from 2 submitters: Uncertain significance (1). 1 of the submissions does not count toward it. Last evaluated 2022-06-13.

Conditions:
Usher syndrome type 1 (USH1). Also called: RETINITIS PIGMENTOSA AND CONGENITAL DEAFNESS. Identifiers: Orphanet 231169, Orphanet 886, MedGen C1568247, MONDO:0010168, OMIM 276900.

Allele frequency attached by ClinVar (database versions not stated): gnomAD exomes 0.00004 and 0.00003; ExAC 0.00001; TOPMed 0.00002; gnomAD 0.00001.
gnomAD v4.1: 60 of 1,607,694 alleles (0.0037%); highest among the groups gnomAD compares: Non-Finnish European, 0.0048%; no homozygotes.

Submissions (2):

Labcorp Genetics (formerly Invitae), Labcorp
Classification: Uncertain significance. Last evaluated: 2022-06-13. Review status: criteria provided, single submitter. Criteria: Invitae Variant Classification Sherloc (09022015). Collection method: clinical testing. Allele origin: germline.
Comment: This sequence change replaces phenylalanine, which is neutral and non-polar, with serine, which is neutral and polar, at codon 1012 of the CDH23 protein (p.Phe1012Ser). This variant is present in population databases (rs774623499, gnomAD 0.007%). This variant has not been reported in the literature in individuals affected with CDH23-related conditions. ClinVar contains an entry for this variant (Variation ID: 861497). Algorithms developed to predict the effect of missense changes on protein structure and function are either unavailable or do not agree on the potential impact of this missense change (SIFT: "Deleterious"; PolyPhen-2: "Not Available"; Align-GVGD: "Class C65"). In summary, the available evidence is currently insufficient to determine the role of this variant in disease. Therefore, it has been classified as a Variant of Uncertain Significance.

Natera, Inc.
Classification: Uncertain significance for Usher syndrome type 1. Last evaluated: 2020-07-12. Review status: no assertion criteria provided. Collection method: clinical testing. Allele origin: germline. Not counted in ClinVar's aggregate classification.

NM_022124.6(CDH23):c.3035T>C (p.Phe1012Ser)

Gene: CDH23 (cadherin related 23; plus strand). Cytogenetic location: 10q22.1.
Variant type: single nucleotide variant.
Coding change: c.3035T>C on transcript NM_022124.6 (MANE Select); coding-DNA position 3035, T replaced by C.
Protein change: p.Phe1012Ser; replaces phenylalanine 1012 with serine.
Molecular consequence: missense variant.
Genome position (GRCh38, 1-based): chr10:71,706,978, T>C. VCF-style: chr10-71706978-T-C. GRCh37 (hg19) VCF-style: chr10-73466735-T-C.
Other names: c.3035T>C, p.Phe1012Ser (NM_001171930.2, NM_001171931.2); short protein forms F1012S.
Identifiers: ClinVar variation 861497 (VCV000861497.6), dbSNP rs774623499, ClinGen allele CA5544430.